The following is an entry in ClinVar:

ClinVar aggregate classification (germline): Likely pathogenic. Review status: reviewed by expert panel (3 of 4 stars). 2 submissions from 2 submitters: Likely pathogenic (1). 1 of the submissions does not count toward it. Last evaluated 2023-11-14.

Conditions:
Severe combined immunodeficiency, autosomal recessive, T cell-negative, B cell-negative, NK cell-negative, due to adenosine deaminase deficiency. Also called: Adenosine deaminase deficient severe combined immunodeficiency; Severe combined immunodeficiency due to ADA deficiency; Adenosine Deaminase Deficiency; ADA deficiency; ADA-SCID; SCID DUE TO ADA DEFICIENCY. Identifiers: Orphanet 277, MedGen C0392607, MONDO:0007064, OMIM 102700.

gnomAD v4.1: 1 of 1,557,384 alleles (0.000064%); highest among the groups gnomAD compares: South Asian, 0.0012%; no homozygotes.

Submissions (2):

ClinGen Severe Combined Immunodeficiency Variant Curation Expert Panel, ClinGen
Classification: Likely pathogenic for Severe combined immunodeficiency, autosomal recessive, T cell-negative, B cell-negative, NK cell-negative, due to adenosine deaminase deficiency. Last evaluated: 2023-11-14. Review status: reviewed by expert panel. Criteria: ClinGen SCID ACMG Specifications ADA V1.0.0. Collection method: curation. Allele origin: germline. Inheritance: Autosomal recessive inheritance.
Comment: The NM_000022.4(ADA):c.363-2A>G variant is a splice site variant predicted to cause skipping of exon four causing an in frame deletion of p.Cys75_Gly122 and removing 13% of the protein (PVS1_strong). At least one pathogenic variant has been reported in this region, NM_000022.4(ADA):c.311C>T (p.Pro104Leu) (ClinVar ID 565486, Pathogenic; provisionally classified Likely Pathogenic by the SCID VCEP). This variant is absent from gnomAD v2.1.1 (PM2_Supporting). At least one patient has been reported with this variant, P14 (PMID: 30778343) has T-B-NK- SCID (0.5pt) meeting diagnostic criteria (absent T cells and low TRECs (0-11); 0.5pt)(PP4_moderate). In summary, this variant meets the criteria to be classified as likely pathogenic for adenosine deaminase deficiency based on the ACMG/AMP criteria applied, as specified by the ClinGen SCID VCEP. Criteria applied: PVS1_strong, PP4 and PM2_Supporting. (VCEP specifications version 1).

Labcorp Genetics (formerly Invitae), Labcorp
Classification: Likely pathogenic for Severe combined immunodeficiency, autosomal recessive, T cell-negative, B cell-negative, NK cell-negative, due to adenosine deaminase deficiency. Last evaluated: 2021-03-24. Review status: criteria provided, single submitter. Criteria: Invitae Variant Classification Sherloc (09022015). Collection method: clinical testing. Allele origin: germline. Not counted in ClinVar's aggregate classification.
Comment: This sequence change affects an acceptor splice site in intron 4 of the ADA gene. It is expected to disrupt RNA splicing. Variants that disrupt the donor or acceptor splice site typically lead to a loss of protein function (PMID: 16199547), and loss-of-function variants in ADA are known to be pathogenic (PMID: 26255240, 26376800). This variant is not present in population databases (ExAC no frequency). This variant has been observed in individual(s) with severe combined immunodeficiency (PMID: 30778343). Algorithms developed to predict the effect of sequence changes on RNA splicing suggest that this variant may disrupt the consensus splice site, but this prediction has not been confirmed by published transcriptional studies. In summary, the currently available evidence indicates that the variant is pathogenic, but additional data are needed to prove that conclusively. Therefore, this variant has been classified as Likely Pathogenic.

Literature cited by the submitters: PubMed 16199547 (cited by Labcorp Genetics (formerly Invitae), Labcorp); PubMed 26255240 (cited by Labcorp Genetics (formerly Invitae), Labcorp); PubMed 26376800 (cited by Labcorp Genetics (formerly Invitae), Labcorp); PubMed 30778343 (cited by Labcorp Genetics (formerly Invitae), Labcorp).

NM_000022.4(ADA):c.363-2A>G

Gene: ADA (adenosine deaminase; minus strand). Cytogenetic location: 20q13.12.
Variant type: single nucleotide variant.
Coding change: c.363-2A>G on transcript NM_000022.4 (MANE Select); the canonical splice acceptor site of the intron before coding-DNA position 363, A replaced by G.
Molecular consequence: splice acceptor variant. On other transcripts: intron variant (1).
Genome position (GRCh38, 1-based): chr20:44,625,686, T>C on the plus strand (A>G on the coding strand, the complement: ADA is on the minus strand). VCF-style: chr20-44625686-T-C. GRCh37 (hg19) VCF-style: chr20-43254327-T-C.
Other names: c.73+770A>G (NM_001322050.2); c.363-2A>G (NM_001322051.2).
Identifiers: ClinVar variation 1473380 (VCV001473380.9), dbSNP rs2145318314, ClinGen allele CA409121257.